The following is an entry in ClinVar:

ClinVar aggregate classification (germline): Pathogenic (1 of 4 stars; one submission).

Conditions:
Primary ciliary dyskinesia 9. Also called: CILIARY DYSKINESIA, PRIMARY, 9, WITH OR WITHOUT SITUS INVERSUS. Identifiers: Orphanet 244, MedGen C2676235, MONDO:0012906, OMIM 612444.

Submission:

Myriad Genetics, Inc.
Classification: Pathogenic for Primary ciliary dyskinesia 9. Last evaluated: 2024-05-14. Review status: criteria provided, single submitter. Criteria: Myriad Autosomal Dominant, Autosomal Recessive and X-Linked Classification Criteria (2023). Collection method: clinical testing. Allele origin: unknown.
Comment: NM_023036.4(DNAI2):c.794delC(P265Lfs*33) is expected to be pathogenic in the context of primary ciliary dyskinesia, DNAI2-related. This variant is predicted to lead to an abnormal or absent protein product due to the creation of a premature termination codon in DNAI2, a gene where loss-of-function variants are known to be pathogenic. Please note: this variant was assessed in the context of healthy population screening.

NM_023036.6(DNAI2):c.794del (p.Pro265fs)

Gene: DNAI2 (dynein axonemal intermediate chain 2; plus strand). Cytogenetic location: 17q25.1.
Variant type: Deletion.
Coding change: c.794del on transcript NM_023036.6 (MANE Select); coding-DNA position 794, one base deleted (C; older notation c.794delC).
Protein change: p.Pro265fs; shifts the reading frame from proline 265.
Molecular consequence: frameshift variant. On other transcripts: non-coding transcript variant (1).
Genome position (GRCh38, 1-based): chr17:74,299,787, C deleted; the last of 3 consecutive C bases (chr17:74,299,785-74,299,787); deleting any one gives the same sequence. VCF-style (leftmost placement, unchanged base first): chr17-74299784-AC-A. GRCh37 (hg19) VCF-style: chr17-72295923-AC-A.
Other names: c.794del, p.Pro265fs (NM_001172810.3, NM_001353167.2); short protein forms P265fs.
Identifiers: ClinVar variation 5014446 (VCV005014446.1).